The following is an entry in ClinVar:

NM_015450.3(POT1):c.1061A>G (p.Gln354Arg)

Gene: POT1 (protection of telomeres 1; minus strand). Cytogenetic location: 7q31.33.
Variant type: single nucleotide variant.
Coding change: c.1061A>G on transcript NM_015450.3 (MANE Select); coding-DNA position 1061, A replaced by G.
Protein change: p.Gln354Arg; replaces glutamine 354 with arginine.
Molecular consequence: missense variant. On other transcripts: non-coding transcript variant (3).
Genome position (GRCh38, 1-based): chr7:124,842,909, T>C on the plus strand (A>G on the coding strand, the complement: POT1 is on the minus strand). VCF-style: chr7-124842909-T-C. GRCh37 (hg19) VCF-style: chr7-124482963-T-C.
Other names: c.668A>G, p.Gln223Arg (NM_001042594.2); short protein forms Q223R, Q354R.
Identifiers: ClinVar variation 2093738 (VCV002093738.4), dbSNP rs2485402422, ClinGen allele CA369068473.

ClinVar aggregate classification (germline): Uncertain significance (1 of 4 stars; one submission).

Conditions:
Tumor predisposition syndrome 3 (TPDS3). Also called: Melanoma, cutaneous malignant, susceptibility to, 10; Glioma susceptibility 9; LONG TELOMERE SYNDROME, POT1-RELATED; POT1 Tumor Predisposition. Identifiers: Orphanet 618, MedGen C4014476, MONDO:0014368, OMIM 615848.

Submission:

Labcorp Genetics (formerly Invitae), Labcorp
Classification: Uncertain significance for Tumor predisposition syndrome 3. Last evaluated: 2025-06-22. Review status: criteria provided, single submitter. Criteria: Invitae Variant Classification Sherloc (09022015). Collection method: clinical testing. Allele origin: germline.
Comment: This sequence change replaces glutamine, which is neutral and polar, with arginine, which is basic and polar, at codon 354 of the POT1 protein (p.Gln354Arg). This variant is not present in population databases (gnomAD no frequency). This variant has not been reported in the literature in individuals affected with POT1-related conditions. ClinVar contains an entry for this variant (Variation ID: 2093738). Invitae Evidence Modeling of protein sequence and biophysical properties (such as structural, functional, and spatial information, amino acid conservation, physicochemical variation, residue mobility, and thermodynamic stability) indicates that this missense variant is not expected to disrupt POT1 protein function with a negative predictive value of 80%. In summary, the available evidence is currently insufficient to determine the role of this variant in disease. Therefore, it has been classified as a Variant of Uncertain Significance.